The following is an entry in ClinVar:

ClinVar aggregate classification (germline): Uncertain significance (1 of 4 stars; one submission).

Conditions:
Inborn genetic diseases. Identifiers: MedGen C0950123, MeSH D030342.

gnomAD v4.1: 1 of 1,613,958 alleles (0.000062%); highest among the groups gnomAD compares: Non-Finnish European, 0.000085%; no homozygotes.

Submission:

Ambry Genetics
Classification: Uncertain significance for Inborn genetic diseases. Last evaluated: 2025-03-28. Review status: criteria provided, single submitter. Criteria: Ambry Variant Classification Scheme 2023. Collection method: clinical testing. Allele origin: germline.
Comment: The p.A583T variant (also known as c.1747G>A), located in coding exon 17 of the DDX41 gene, results from a G to A substitution at nucleotide position 1747. The alanine at codon 583 is replaced by threonine, an amino acid with similar properties. This amino acid position is conserved. In addition, this alteration is predicted to be tolerated by in silico analysis. Based on the available evidence, the clinical significance of this variant remains unclear.

NM_016222.4(DDX41):c.1747G>A (p.Ala583Thr)

Gene: DDX41 (DEAD-box helicase 41; minus strand). Cytogenetic location: 5q35.3.
Variant type: single nucleotide variant.
Coding change: c.1747G>A on transcript NM_016222.4 (MANE Select); coding-DNA position 1747, G replaced by A.
Protein change: p.Ala583Thr; replaces alanine 583 with threonine.
Molecular consequence: missense variant.
Genome position (GRCh38, 1-based): chr5:177,511,913, C>T on the plus strand (G>A on the coding strand, the complement: DDX41 is on the minus strand). VCF-style: chr5-177511913-C-T. GRCh37 (hg19) VCF-style: chr5-176938914-C-T.
Other names: c.1369G>A, p.Ala457Thr (NM_001321732.2, NM_001321830.2); short protein forms A457T, A583T.
Identifiers: ClinVar variation 4010292 (VCV004010292.1).
Genomic context (GRCh38, chr5:177,511,913, plus strand): 5'-TCTGCATAGCCTCGAGTTTGGGGCAGTCAGTGATCCGATGACCCAGGCCCCCGCAGAAGG[C>T]ACAGCCGCGCTCTCCTGGGGGAATGGGGACAGGGGTCAGCCAAGTCAAGGACCAGGATCC-3'
Protein context (NP_057306.2, residues 573-593): MLDIGGERGC[Ala583Thr]FCGGLGHRIT